The following is an entry in ClinVar:

NM_001080508.3(TBX18):c.940-2A>G

Gene: TBX18 (T-box transcription factor 18; minus strand). Cytogenetic location: 6q14.3.
Variant type: single nucleotide variant.
Coding change: c.940-2A>G on transcript NM_001080508.3 (MANE Select); the canonical splice acceptor site of the intron before coding-DNA position 940, A replaced by G.
Molecular consequence: splice acceptor variant.
Genome position (GRCh38, 1-based): chr6:84,744,327, T>C on the plus strand (A>G on the coding strand, the complement: TBX18 is on the minus strand). VCF-style: chr6-84744327-T-C. GRCh37 (hg19) VCF-style: chr6-85454045-T-C.
Identifiers: ClinVar variation 4823770 (VCV004823770.4).
Genomic context (GRCh38, chr6:84,744,327, plus strand): 5'-CGCCCGGAGTCTCGGAAGCCTTTAGCAAATGGATTCCTATCTATCTTCAGGCGAGTAATC[T>C]GCAGAGTAGGAAAAAAAAATATCAAATCTTATATAAATGTCAAGCAAGTTTTTACTTGGT-3'

ClinVar aggregate classification (germline): Uncertain significance (1 of 4 stars; one submission).

Submission:

CeGaT Center for Human Genetics Tuebingen
Classification: Uncertain significance. Last evaluated: 2026-03-01. Review status: criteria provided, single submitter. Criteria: CeGaT Center For Human Genetics Tuebingen Variant Classification Criteria Version 2. Collection method: clinical testing. Allele origin: germline. Affected: yes. Observed: 1 variant allele.
Comment: TBX18: PM2